The following is an entry in ClinVar:

ClinVar aggregate classification (germline): Benign/Likely benign. Review status: criteria provided, multiple submitters, no conflicts (2 of 4 stars). 2 submissions from 2 submitters: Benign (1); Likely benign (1). Last evaluated 2023-01-01.

Allele frequency attached by ClinVar (database versions not stated): 1000 Genomes Project 0.00180; 1000 Genomes Project 30x 0.00187; TOPMed 0.00433; gnomAD exomes 0.00454 and 0.00656; gnomAD 0.00469 and 0.00496; ESP Exome Variant Server 0.00500; ExAC 0.00505.
gnomAD v4.1: 10,207 of 1,613,224 alleles (0.63%); highest among the groups gnomAD compares: Non-Finnish European, 0.77%; 40 homozygotes.

Submissions (2):

CeGaT Center for Human Genetics Tuebingen
Classification: Likely benign. Last evaluated: 2023-01-01. Review status: criteria provided, single submitter. Criteria: CeGaT Center For Human Genetics Tuebingen Variant Classification Criteria Version 2. Collection method: clinical testing. Allele origin: germline. Affected: yes. Observed: 1 variant allele.
Comment: VAV3: BP4, BP7, BS2

Labcorp Genetics (formerly Invitae), Labcorp
Classification: Benign. Last evaluated: 2018-10-12. Review status: criteria provided, single submitter. Criteria: Invitae Variant Classification Sherloc (09022015). Collection method: clinical testing. Allele origin: germline.

NM_006113.5(VAV3):c.1044G>A (p.Pro348=)

Gene: VAV3 (vav guanine nucleotide exchange factor 3; minus strand). Cytogenetic location: 1p13.3.
Variant type: single nucleotide variant.
Coding change: c.1044G>A on transcript NM_006113.5 (MANE Select); coding-DNA position 1044, G replaced by A.
Protein change: p.Pro348=; no amino-acid change (proline 348 retained).
Molecular consequence: synonymous variant.
Genome position (GRCh38, 1-based): chr1:107,757,303, C>T on the plus strand (G>A on the coding strand, the complement: VAV3 is on the minus strand). VCF-style: chr1-107757303-C-T. GRCh37 (hg19) VCF-style: chr1-108299925-C-T.
Identifiers: ClinVar variation 770853 (VCV000770853.27), dbSNP rs17541972, ClinGen allele CA978555.